The following is an entry in ClinVar:

NM_014679.5(CEP57):c.1033A>C (p.Lys345Gln)

Gene: CEP57 (centrosomal protein 57; plus strand). Cytogenetic location: 11q21.
Variant type: single nucleotide variant.
Coding change: c.1033A>C on transcript NM_014679.5 (MANE Select); coding-DNA position 1033, A replaced by C.
Protein change: p.Lys345Gln; replaces lysine 345 with glutamine.
Molecular consequence: missense variant.
Genome position (GRCh38, 1-based): chr11:95,827,933, A>C. VCF-style: chr11-95827933-A-C. GRCh37 (hg19) VCF-style: chr11-95561097-A-C.
Other names: c.1006A>C, p.Lys336Gln (NM_001243776.2); c.955A>C, p.Lys319Gln (NM_001243777.2); c.952A>C, p.Lys318Gln (NM_001363604.2); short protein forms K318Q, K345Q, K319Q, K336Q.
Identifiers: ClinVar variation 2210468 (VCV002210468.3), dbSNP rs140017821, ClinGen allele CA6239666.

ClinVar aggregate classification (germline): Uncertain significance (1 of 4 stars; one submission).

Conditions:
Inborn genetic diseases. Identifiers: MedGen C0950123, MeSH D030342.

Allele frequency attached by ClinVar (database versions not stated): gnomAD exomes below 0.00001; ExAC 0.00001; gnomAD 0.00001; TOPMed 0.00004; ESP Exome Variant Server 0.00008.
gnomAD v4.1: 6 of 1,614,030 alleles (0.00037%); highest among the groups gnomAD compares: African/African-American, 0.008%; no homozygotes.

Submission:

Ambry Genetics
Classification: Uncertain significance for Inborn genetic diseases. Last evaluated: 2024-12-22. Review status: criteria provided, single submitter. Criteria: Ambry Variant Classification Scheme 2023. Collection method: clinical testing. Allele origin: germline.
Comment: The p.K345Q variant (also known as c.1033A>C), located in coding exon 9 of the CEP57 gene, results from an A to C substitution at nucleotide position 1033. The lysine at codon 345 is replaced by glutamine, an amino acid with similar properties. This amino acid position is conserved. In addition, this alteration is predicted to be tolerated by in silico analysis. Based on the available evidence, the clinical significance of this variant remains unclear.